The following is an entry in ClinVar:

ClinVar aggregate classification (germline): Uncertain significance (1 of 4 stars; one submission).

Conditions:
Epilepsy, progressive myoclonic, 1B. Also called: PME. Identifiers: Orphanet 308, MedGen C2676254, MONDO:0012904, OMIM 612437.

Allele frequency attached by ClinVar (database versions not stated): gnomAD exomes 0.00002; TOPMed 0.00002; ExAC 0.00003.
gnomAD v4.1: 15 of 1,613,854 alleles (0.00093%); highest among the groups gnomAD compares: Non-Finnish European, 0.0012%; no homozygotes.

Submission:

Labcorp Genetics (formerly Invitae), Labcorp
Classification: Uncertain significance for Progressive myoclonus epilepsy with ataxia. Last evaluated: 2019-04-23. Review status: criteria provided, single submitter. Criteria: Invitae Variant Classification Sherloc (09022015). Collection method: clinical testing. Allele origin: germline.
Comment: This sequence change replaces threonine with asparagine at codon 453 of the PRICKLE1 protein (p.Thr453Asn). The threonine residue is weakly conserved and there is a small physicochemical difference between threonine and asparagine. This variant is present in population databases (rs773422113, ExAC 0.006%). This variant has not been reported in the literature in individuals with PRICKLE1-related conditions. Algorithms developed to predict the effect of missense changes on protein structure and function (SIFT, PolyPhen-2, Align-GVGD) all suggest that this variant is likely to be tolerated, but these predictions have not been confirmed by published functional studies and their clinical significance is uncertain. In summary, the available evidence is currently insufficient to determine the role of this variant in disease. Therefore, it has been classified as a Variant of Uncertain Significance.

NM_153026.3(PRICKLE1):c.1358C>A (p.Thr453Asn)

Gene: PRICKLE1 (prickle planar cell polarity protein 1; minus strand). Cytogenetic location: 12q12.
Variant type: single nucleotide variant.
Coding change: c.1358C>A on transcript NM_153026.3 (MANE Select); coding-DNA position 1358, C replaced by A.
Protein change: p.Thr453Asn; replaces threonine 453 with asparagine.
Molecular consequence: missense variant.
Genome position (GRCh38, 1-based): chr12:42,464,676, G>T on the plus strand (C>A on the coding strand, the complement: PRICKLE1 is on the minus strand). VCF-style: chr12-42464676-G-T. GRCh37 (hg19) VCF-style: chr12-42858478-G-T.
Other names: c.1358C>A, p.Thr453Asn (NM_001144881.2, NM_001144882.2, NM_001144883.2); short protein forms T453N.
Identifiers: ClinVar variation 945559 (VCV000945559.1), dbSNP rs773422113, ClinGen allele CA6519763.